The following is an entry in ClinVar:

ClinVar aggregate classification (germline): Pathogenic. Review status: criteria provided, multiple submitters, no conflicts (2 of 4 stars). 8 submissions from 8 submitters: Pathogenic (7). 1 of the submissions does not count toward it. Last evaluated 2025-08-21.

Conditions:
Maple syrup urine disease type 1A (MSUD1A). Also called: MSUD type 1A. Identifiers: MedGen C1855369, MONDO:0023691, OMIM 248600.
Maple syrup urine disease type 1B (MSUD1B). Also called: MSUD type IB; MSUD type 3 (formerly); MSUD due to deficiency of e1-beta subunit of branched-chain alpha-keto acid dehydrogenase complex. Identifiers: MedGen C2930990, MONDO:0023692, OMIM 620698.
Maple syrup urine disease (MSUD). Identifiers: Orphanet 511, MedGen C0024776, MeSH D008375, MONDO:0009563. Disease mechanism: loss of function.

Submissions (8):

Natera, Inc.
Classification: Pathogenic for Maple syrup urine disease type 1B. Last evaluated: 2025-08-21. Review status: criteria provided, single submitter. Criteria: Natera Variant Classification Schema (03/2026). Collection method: clinical testing. Allele origin: germline.
Comment: The c.93_103delGGCGCGGGGCT variant in BCKDHB is a frameshift variant predicted to shift the reading frame beginning at codon 32 and leads to a stop codon 48 codons downstream. This variant is expected to result in nonsense mediated decay, truncation, or a dysfunctional protein product. This variant is rare in the general population with a frequency below the threshold expected for the associated phenotype(s). This variant has been observed in one or more individuals affected with the associated recessive disease, as either homozygous or compound heterozygous with a second variant (PMID: 2022752). Given the available evidence, this variant is classified as Pathogenic.

Laboratory for Molecular Medicine, Mass General Brigham Personalized Medicine
Classification: Pathogenic for Maple syrup urine disease. Last evaluated: 2024-01-29. Review status: criteria provided, single submitter. Criteria: ACMG Guidelines, 2015. Collection method: clinical testing. Allele origin: germline. Inheritance: Autosomal recessive inheritance.
Comment: The p.Ala32PhefsX48 variant in BCKDHB has been reported in the homozygous and compound heterozygous state in at least 4 individuals (2 homozygotes, 2 compound heterozygote with at least one disease causing allele in BCKDHB) with maple syrup urine disease (MSUD) and segregated with disease in 2 affected relatives from 1 family (Nobukuni 1991 PMID: 2022752, Rodriguez-Pombo 2006 PMID: PMID: 16786533, Tabbouche 2014 PMID: 27896100, Yang 2019 PMID: 31112740). It at least 2 individuals, BCKDH enzyme activity was severely reduced (Nobukuni 1991 PMID: 2022752, Rodriguez-Pombo 2006 PMID: 16786533). The variant was also detected in the heterozygous state in 2 families with MSUD where a second variant was not identified (Parella 1994 PMID: 7707687). This variant has also been reported by other clinical laboratories in ClinVar (Variation ID 96618) and has also been identified in 0.002% (1/41438) of African chromosomes by gnomAD (v.3.1.2). This variant is a deletion of 11 base pairs and is predicted to cause a frameshift, which alters the protein’s amino acid sequence beginning at amino acid 32 and leads to a premature termination codon 48 amino acids downstream. This alteration is then predicted to lead to a truncated or absent protein. Biallelic loss of function of the BCKDHB gene is an established disease mechanism in autosomal recessive MSUD. In summary, this variant meets criteria to be classified as pathogenic for autosomal recessive MSUD. ACMG/AMP Criteria applied: PVS1, PM3_Moderate, PP1, PM2_Supporting, PP4.

Labcorp Genetics (formerly Invitae), Labcorp
Classification: Pathogenic for Maple syrup urine disease. Last evaluated: 2023-12-27. Review status: criteria provided, single submitter. Criteria: Invitae Variant Classification Sherloc (09022015). Collection method: clinical testing. Allele origin: germline.
Comment: This sequence change creates a premature translational stop signal (p.Ala32Phefs*48) in the BCKDHB gene. It is expected to result in an absent or disrupted protein product. Loss-of-function variants in BCKDHB are known to be pathogenic (PMID: 16786533, 22593002). This variant is present in population databases (rs751389206, gnomAD 0.002%). This premature translational stop signal has been observed in individuals with maple syrup urine disease (PMID: 2022752, 31112740). It has also been observed to segregate with disease in related individuals. This variant is also known as c.92_102del11. ClinVar contains an entry for this variant (Variation ID: 96618). For these reasons, this variant has been classified as Pathogenic.

Genome-Nilou Lab
Classification: Pathogenic for Maple syrup urine disease type 1A. Last evaluated: 2021-11-07. Review status: criteria provided, single submitter. Criteria: ACMG Guidelines, 2015. Collection method: clinical testing. Allele origin: germline. Affected: no.

Revvity Omics, Revvity
Classification: Pathogenic for Maple syrup urine disease type 1A. Last evaluated: 2021-06-18. Review status: criteria provided, single submitter. Criteria: ACMG Guidelines, 2015. Collection method: clinical testing. Allele origin: germline.

Women's Health and Genetics/Laboratory Corporation of America, LabCorp
Classification: Pathogenic for Maple syrup urine disease type 1B. Last evaluated: 2018-12-13. Review status: criteria provided, single submitter. Criteria: LabCorp Variant Classification Summary - May 2015. Collection method: clinical testing. Allele origin: germline.
Comment: Variant summary: BCKDHB c.93_103del11 (p.Ala32PhefsX48) results in a premature termination codon, predicted to cause a truncation of the encoded protein or absence of the protein due to nonsense mediated decay, which are commonly known mechanisms for disease. The variant was absent in 234612 control chromosomes (gnomAD). c.93_103del11 has been reported in the literature in multiple individuals affected with Maple Syrup Urine Disease (Tabbouche_2014, Rodriguez-Pombo_2006, Parrella_1994, Nobukuni_1991). These data indicate that the variant is very likely to be associated with disease. Experimental evidence evaluating an impact on protein function demonstrated that the variant caused a severe decrease in BCKDH enzyme activity and also, resulted in absence of E1 beta subunit of BCKDH while the E1 alpha subunit of BCKDH was markedly reduced (Nobukuni_1991). A ClinVar submission from a clinical diagnostic laboratory (evaluation after 2014) cites the variant as pathogenic. Based on the evidence outlined above, the variant was classified as pathogenic.

Eurofins Ntd Llc (ga)
Classification: Pathogenic. Last evaluated: 2016-03-16. Review status: criteria provided, single submitter. Criteria: EGL Classification Definitions. Collection method: clinical testing. Allele origin: germline. Observed: 5 variant alleles, 3 heterozygotes, 2 homozygotes.

OMIM
Classification: Pathogenic for MAPLE SYRUP URINE DISEASE, TYPE IB. Last evaluated: 1991-05-01. Review status: no assertion criteria provided. Collection method: literature only. Allele origin: germline. Not counted in ClinVar's aggregate classification.

Literature cited by the submitters: PubMed 2022752 (cited by 5 submitters); PubMed 7707687 (cited by Laboratory for Molecular Medicine, Mass General Brigham Personalized Medicine and Women's Health and Genetics/Laboratory Corporation of America, LabCorp); PubMed 27896100 (cited by Laboratory for Molecular Medicine, Mass General Brigham Personalized Medicine and Women's Health and Genetics/Laboratory Corporation of America, LabCorp); PubMed 31112740 (cited by Laboratory for Molecular Medicine, Mass General Brigham Personalized Medicine and Labcorp Genetics (formerly Invitae), Labcorp); PubMed 16786533 (cited by 3 submitters); PubMed 22593002 (cited by Labcorp Genetics (formerly Invitae), Labcorp).

NM_183050.4(BCKDHB):c.93_103del (p.Ala32fs)

Gene: BCKDHB (branched chain keto acid dehydrogenase E1 subunit beta; plus strand). Cytogenetic location: 6q14.1.
Variant type: Microsatellite.
Coding change: c.93_103del on transcript NM_183050.4 (MANE Select); coding-DNA positions 93 to 103, 11 bases deleted (GGCGCGGGGCT).
Protein change: p.Ala32fs; shifts the reading frame from alanine 32.
Molecular consequence: frameshift variant. On other transcripts: non-coding transcript variant (1), intron variant (1).
Genome position (GRCh38, 1-based): chr6:80,106,786-80,106,796, GGCGCGGGGCT deleted; deleting any 11 consecutive bases within chr6:80,106,773-80,106,796 gives the same sequence; the c. name uses the placement nearest the transcript's 3' end. VCF-style (leftmost placement, unchanged base first): chr6-80106772-CCTGGCGCGGGG-C. GRCh37 (hg19) VCF-style: chr6-80816489-CCTGGCGCGGGG-C.
Other names: c.93_103del, p.Ala32fs (NM_000056.5); c.-15+103_-15+113del (NM_001318975.1); c.93_103delGGCGCGGGGCT (NM_183050.4, NM_183050.3); short protein forms A32fs.
Identifiers: ClinVar variation 96618 (VCV000096618.26), dbSNP rs398124601, ClinGen allele CA224360.